The following is an entry in ClinVar:

ClinVar aggregate classification (germline): Conflicting classifications of pathogenicity. Review status: criteria provided, conflicting classifications (1 of 4 stars). 4 submissions from 4 submitters: Uncertain significance (3); Likely benign (1). Last evaluated 2025-02-24.

Conditions:
Hereditary breast ovarian cancer syndrome. Also called: Hereditary breast and ovarian cancer; Hereditary breast and ovarian cancer syndrome (HBOC); Breast and ovarian cancer; Hereditary breast and ovarian cancer syndrome; BRCA1- and BRCA2-Associated Hereditary Breast and Ovarian Cancer; Hereditary breast and/or ovarian cancer syndrome. Identifiers: Orphanet 145, MedGen C0677776, MeSH D061325, MONDO:0003582. Disease mechanism: loss of function.
Hereditary cancer-predisposing syndrome. Also called: Tumor predisposition; Neoplastic Syndromes, Hereditary; Hereditary neoplastic syndrome; Hereditary Cancer Syndrome. Identifiers: Orphanet 140162, MedGen C0027672, MeSH D009386, MONDO:0015356.

Submissions (4):

Color Diagnostics, LLC DBA Color Health
Classification: Uncertain significance for Hereditary cancer-predisposing syndrome. Last evaluated: 2025-02-24. Review status: criteria provided, single submitter. Criteria: ACMG Guidelines, 2015. Collection method: clinical testing. Allele origin: germline.
Comment: This missense variant replaces leucine with proline at codon 700 of the BRCA1 protein. Computational prediction is inconclusive regarding the impact of this variant on protein structure and function. To our knowledge, functional studies have not been reported for this variant. This variant has not been reported in individuals affected with BRCA1-related disorders in the literature. This variant has not been identified in the general population by the Genome Aggregation Database (gnomAD). The available evidence is insufficient to determine the role of this variant in disease conclusively. Therefore, this variant is classified as a Variant of Uncertain Significance.

Labcorp Genetics (formerly Invitae), Labcorp
Classification: Uncertain significance for Hereditary breast ovarian cancer syndrome. Last evaluated: 2024-02-20. Review status: criteria provided, single submitter. Criteria: Invitae Variant Classification Sherloc (09022015). Collection method: clinical testing. Allele origin: germline.
Comment: This sequence change replaces leucine, which is neutral and non-polar, with proline, which is neutral and non-polar, at codon 700 of the BRCA1 protein (p.Leu700Pro). This variant is not present in population databases (gnomAD no frequency). This variant has not been reported in the literature in individuals affected with BRCA1-related conditions. ClinVar contains an entry for this variant (Variation ID: 631155). Advanced modeling of protein sequence and biophysical properties (such as structural, functional, and spatial information, amino acid conservation, physicochemical variation, residue mobility, and thermodynamic stability) performed at Invitae indicates that this missense variant is not expected to disrupt BRCA1 protein function with a negative predictive value of 95%. In summary, the available evidence is currently insufficient to determine the role of this variant in disease. Therefore, it has been classified as a Variant of Uncertain Significance.

Ambry Genetics
Classification: Uncertain significance for Hereditary cancer-predisposing syndrome. Last evaluated: 2023-10-08. Review status: criteria provided, single submitter. Criteria: Ambry Variant Classification Scheme 2023. Collection method: clinical testing. Allele origin: germline.
Comment: The p.L700P variant (also known as c.2099T>C), located in coding exon 9 of the BRCA1 gene, results from a T to C substitution at nucleotide position 2099. The leucine at codon 700 is replaced by proline, an amino acid with similar properties. This amino acid position is not well conserved in available vertebrate species. In addition, the in silico prediction for this alteration is inconclusive. Since supporting evidence is limited at this time, the clinical significance of this alteration remains unclear.

University of Washington Department of Laboratory Medicine, University of Washington
Classification: Likely benign for Hereditary cancer-predisposing syndrome. Last evaluated: 2023-03-23. Review status: criteria provided, single submitter. Criteria: Dines et al. (Genet Med. 2020). Collection method: curation. Allele origin: germline.
Comment: Missense variant in a coldspot region where missense variants are very unlikely to be pathogenic (PMID:31911673).

BRCA1 coldspot (exon 11 using historical exon numbering). Reclassification based on statistical prior probability

NM_007294.4(BRCA1):c.2099T>C (p.Leu700Pro)

Gene: BRCA1 (BRCA1 DNA repair associated; minus strand). Cytogenetic location: 17q21.31.
Variant type: single nucleotide variant.
Coding change: c.2099T>C on transcript NM_007294.4 (MANE Select); coding-DNA position 2099, T replaced by C.
Protein change: p.Leu700Pro; replaces leucine 700 with proline.
Molecular consequence: missense variant. On other transcripts: intron variant (137).
Genome position (GRCh38, 1-based): chr17:43,093,432, A>G on the plus strand (T>C on the coding strand, the complement: BRCA1 is on the minus strand). VCF-style: chr17-43093432-A-G. GRCh37 (hg19) VCF-style: chr17-41245449-A-G.
Other names: c.1886T>C, p.Leu629Pro (NM_001407571.1, NM_001407853.1, NM_001407894.1 and 9 more transcripts); c.2099T>C, p.Leu700Pro (NM_001407581.1, NM_001407582.1, NM_001407583.1 and 30 more transcripts); c.2096T>C, p.Leu699Pro (NM_001407587.1, NM_001407590.1, NM_001407591.1 and 22 more transcripts); c.2090T>C, p.Leu697Pro (NM_001407646.1, NM_001407647.1); c.1976T>C, p.Leu659Pro (NM_001407648.1, NM_001407664.1, NM_001407665.1 and 19 more transcripts); c.1973T>C, p.Leu658Pro (NM_001407649.1, NM_001407670.1, NM_001407671.1 and 11 more transcripts); c.2021T>C, p.Leu674Pro (NM_001407653.1, NM_001407654.1, NM_001407655.1 and 4 more transcripts); c.2018T>C, p.Leu673Pro (NM_001407659.1, NM_001407660.1, NM_001407661.1 and 1 more transcripts); and 41 more; short protein forms L700P, L653P, L532P, L573P, L612P, L659P, L673P, L699P.
Identifiers: ClinVar variation 631155 (VCV000631155.16), dbSNP rs1567797015, ClinGen allele CA10597804.